The following is an entry in ClinVar:

ClinVar aggregate classification (germline): Likely pathogenic (1 of 4 stars; one submission).

Conditions:
Ehlers-Danlos syndrome, kyphoscoliotic type, 2. Also called: Ehlers-Danlos syndrome with progressive kyphoscoliosis, myopathy, and hearing loss; Ehlers-Danlos syndrome, kyphoscoliotic and deafness type; FKBP14-Kyphoscoliotic Ehlers-Danlos Syndrome. Identifiers: Orphanet 300179, MedGen C3281160, MONDO:0013800, OMIM 614557.

Submission:

Women's Health and Genetics/Laboratory Corporation of America, LabCorp
Classification: Likely pathogenic for Ehlers-Danlos syndrome, kyphoscoliotic type, 2. Last evaluated: 2023-03-21. Review status: criteria provided, single submitter. Criteria: LabCorp Variant Classification Summary - May 2015. Collection method: clinical testing. Allele origin: germline.
Comment: Variant summary: FKBP14 c.52_55delATTG (p.Ile18GlyfsX3) results in a premature termination codon, predicted to cause a truncation of the encoded protein or absence of the protein due to nonsense mediated decay, which are commonly known mechanisms for disease. Truncations downstream of this position have been classified as pathogenic in ClinVar. The variant allele was found at a frequency of 4e-06 in 251426 control chromosomes (gnomAD). To our knowledge, no occurrence of c.52_55delATTG in individuals affected with Ehlers-Danlos Syndrome, Kyphoscoliotic And Deafness Type and no experimental evidence demonstrating its impact on protein function have been reported. No clinical diagnostic laboratories have submitted clinical-significance assessments for this variant to ClinVar after 2014. Based on the evidence outlined above, the variant was classified as likely pathogenic.

NM_017946.4(FKBP14):c.52_55del (p.Ile18fs)

Genes: FKBP14 (FKBP prolyl isomerase 14; minus strand), FKBP14-AS1 (FKBP14 antisense RNA 1; plus strand). Cytogenetic location: 7p14.3.
Variant type: Deletion.
Coding change: c.52_55del on transcript NM_017946.4 (MANE Select); coding-DNA positions 52 to 55, 4 bases deleted (ATTG; older notation c.52_55delATTG).
Protein change: p.Ile18fs; shifts the reading frame from isoleucine 18.
Molecular consequence: frameshift variant. On other transcripts: non-coding transcript variant (2).
Genome position (GRCh38, 1-based): chr7:30,026,454-30,026,457, CAAT deleted on the plus strand (ATTG on the coding strand, the reverse complement: FKBP14 is on the minus strand); deleting any 4 consecutive bases within chr7:30,026,454-30,026,460 gives the same sequence; the c. name uses the placement nearest the transcript's 3' end. VCF-style (leftmost placement, unchanged base first): chr7-30026453-CCAAT-C. GRCh37 (hg19) VCF-style: chr7-30066069-CCAAT-C.
Other names: c.52_55delATTG (NM_017946.3); short protein forms I18fs.
Identifiers: ClinVar variation 2501231 (VCV002501231.1), dbSNP rs775594340, ClinGen allele CA4203514.